The following is an entry in ClinVar:

NM_182961.4(SYNE1):c.24118A>T (p.Lys8040Ter)

Gene: SYNE1 (spectrin repeat containing nuclear envelope protein 1; minus strand). Cytogenetic location: 6q25.2.
Variant type: single nucleotide variant.
Coding change: c.24118A>T on transcript NM_182961.4 (MANE Select); coding-DNA position 24118, A replaced by T.
Protein change: p.Lys8040Ter; replaces lysine 8040 with a stop codon.
Molecular consequence: nonsense.
Genome position (GRCh38, 1-based): chr6:152,154,903, T>A on the plus strand (A>T on the coding strand, the complement: SYNE1 is on the minus strand). VCF-style: chr6-152154903-T-A. GRCh37 (hg19) VCF-style: chr6-152476038-T-A.
Other names: c.724A>T, p.Lys242Ter (NM_001347701.2); c.583A>T, p.Lys195Ter (NM_001347702.2); c.23905A>T, p.Lys7969Ter (NM_033071.5); short protein forms K242*, K8040*, K195*, K7969*.
Identifiers: ClinVar variation 2119612 (VCV002119612.4), dbSNP rs2550229446, ClinGen allele CA366087669.

ClinVar aggregate classification (germline): Pathogenic (1 of 4 stars; one submission).

Conditions:
Emery-Dreifuss muscular dystrophy 4, autosomal dominant (EDMD4). Also called: EMERY-DREIFUSS MUSCULAR DYSTROPHY 4 WITH VARIABLE FEATURES. Identifiers: Orphanet 261, MedGen C2751807, MONDO:0013071, OMIM 612998.
Autosomal recessive ataxia, Beauce type. Also called: SYNE1 Deficiency; Spinocerebellar ataxia, autosomal recessive 8; ATAXIA, RECESSIVE, OF BEAUCE; SYNE1-Related Autosomal Recessive Cerebellar Ataxia. Identifiers: Orphanet 88644, MedGen C1853116, MONDO:0012549, OMIM 610743.

Submission:

Labcorp Genetics (formerly Invitae), Labcorp
Classification: Pathogenic for Emery-Dreifuss muscular dystrophy 4, autosomal dominant; Autosomal recessive ataxia, Beauce type. Last evaluated: 2022-03-29. Review status: criteria provided, single submitter. Criteria: Invitae Variant Classification Sherloc (09022015). Collection method: clinical testing. Allele origin: germline.
Comment: For these reasons, this variant has been classified as Pathogenic. This variant has not been reported in the literature in individuals affected with SYNE1-related conditions. This variant is not present in population databases (gnomAD no frequency). This sequence change creates a premature translational stop signal (p.Lys7969*) in the SYNE1 gene. It is expected to result in an absent or disrupted protein product. Loss-of-function variants in SYNE1 are known to be pathogenic (PMID: 19542096, 24319099, 27086870).

Literature cited by the submitters: PubMed 19542096; PubMed 24319099; PubMed 27086870.